The following is an entry in ClinVar:

NM_152383.5(DIS3L2):c.1489G>T (p.Ala497Ser)

Gene: DIS3L2 (DIS3 like 3'-5' exoribonuclease 2; plus strand). Cytogenetic location: 2q37.1.
Variant type: single nucleotide variant.
Coding change: c.1489G>T on transcript NM_152383.5 (MANE Select); coding-DNA position 1489, G replaced by T.
Protein change: p.Ala497Ser; replaces alanine 497 with serine.
Molecular consequence: missense variant. On other transcripts: non-coding transcript variant (2).
Genome position (GRCh38, 1-based): chr2:232,263,270, G>T. VCF-style: chr2-232263270-G-T. GRCh37 (hg19) VCF-style: chr2-233127980-G-T.
Other names: c.1489G>T, p.Ala497Ser (NM_001257281.2); short protein forms A497S.
Identifiers: ClinVar variation 3666345 (VCV003666345.1).

ClinVar aggregate classification (germline): Uncertain significance (1 of 4 stars; one submission).

Conditions:
Perlman syndrome (PRLMNS). Identifiers: Orphanet 2849, MedGen C0796113, MONDO:0009965, OMIM 267000.

Submission:

Labcorp Genetics (formerly Invitae), Labcorp
Classification: Uncertain significance for Perlman syndrome. Last evaluated: 2024-04-23. Review status: criteria provided, single submitter. Criteria: Invitae Variant Classification Sherloc (09022015). Collection method: clinical testing. Allele origin: germline.
Comment: This sequence change replaces alanine, which is neutral and non-polar, with serine, which is neutral and polar, at codon 497 of the DIS3L2 protein (p.Ala497Ser). This variant is not present in population databases (gnomAD no frequency). This variant has not been reported in the literature in individuals affected with DIS3L2-related conditions. Advanced modeling of protein sequence and biophysical properties (such as structural, functional, and spatial information, amino acid conservation, physicochemical variation, residue mobility, and thermodynamic stability) performed at Invitae indicates that this missense variant is expected to disrupt DIS3L2 protein function with a positive predictive value of 80%. In summary, the available evidence is currently insufficient to determine the role of this variant in disease. Therefore, it has been classified as a Variant of Uncertain Significance.